The following is an entry in ClinVar:

ClinVar aggregate classification (germline): Uncertain significance (1 of 4 stars; one submission).

Conditions:
Hypertrophic cardiomyopathy. Also called: HYPERTROPHIC MYOCARDIOPATHY. Identifiers: Orphanet 217569, MedGen C0007194, MeSH D002312, MONDO:0005045, HP:0001639.

Submission:

Labcorp Genetics (formerly Invitae), Labcorp
Classification: Uncertain significance for Hypertrophic cardiomyopathy. Last evaluated: 2024-01-26. Review status: criteria provided, single submitter. Criteria: Invitae Variant Classification Sherloc (09022015). Collection method: clinical testing. Allele origin: germline.
Comment: This sequence change replaces glutamine, which is neutral and polar, with glutamic acid, which is acidic and polar, at codon 1098 of the MYH7 protein (p.Gln1098Glu). This variant is not present in population databases (gnomAD no frequency). This variant has not been reported in the literature in individuals affected with MYH7-related conditions. Advanced modeling of protein sequence and biophysical properties (such as structural, functional, and spatial information, amino acid conservation, physicochemical variation, residue mobility, and thermodynamic stability) performed at Invitae indicates that this missense variant is expected to disrupt MYH7 protein function with a positive predictive value of 95%. In summary, the available evidence is currently insufficient to determine the role of this variant in disease. Therefore, it has been classified as a Variant of Uncertain Significance.

NM_000257.4(MYH7):c.3292C>G (p.Gln1098Glu)

Gene: MYH7 (myosin heavy chain 7; minus strand). Cytogenetic location: 14q11.2.
Variant type: single nucleotide variant.
Coding change: c.3292C>G on transcript NM_000257.4 (MANE Select); coding-DNA position 3292, C replaced by G.
Protein change: p.Gln1098Glu; replaces glutamine 1098 with glutamic acid.
Molecular consequence: missense variant.
Genome position (GRCh38, 1-based): chr14:23,421,002, G>C on the plus strand (C>G on the coding strand, the complement: MYH7 is on the minus strand). VCF-style: chr14-23421002-G-C. GRCh37 (hg19) VCF-style: chr14-23890211-G-C.
Other names: c.3292C>G, p.Gln1098Glu (NM_001407004.1); short protein forms Q1098E.
Identifiers: ClinVar variation 2712449 (VCV002712449.3), dbSNP rs2502268053, ClinGen allele CA389044439.